The following is an entry in ClinVar:

NM_000083.3(CLCN1):c.730G>T (p.Ala244Ser)

Gene: CLCN1 (chloride voltage-gated channel 1; plus strand). Cytogenetic location: 7q34.
Variant type: single nucleotide variant.
Coding change: c.730G>T on transcript NM_000083.3 (MANE Select); coding-DNA position 730, G replaced by T.
Protein change: p.Ala244Ser; replaces alanine 244 with serine.
Molecular consequence: missense variant. On other transcripts: non-coding transcript variant (1).
Genome position (GRCh38, 1-based): chr7:143,323,342, G>T. VCF-style: chr7-143323342-G-T. GRCh37 (hg19) VCF-style: chr7-143020435-G-T.
Other names: short protein forms A244S.
Identifiers: ClinVar variation 3768851 (VCV003768851.1).

ClinVar aggregate classification (germline): Uncertain significance (1 of 4 stars; one submission).

gnomAD v4.1: 1 of 1,613,836 alleles (0.000062%); highest among the groups gnomAD compares: Non-Finnish European, 0.000085%; no homozygotes.

Submission:

Women's Health and Genetics/Laboratory Corporation of America, LabCorp
Classification: Uncertain significance. Last evaluated: 2025-02-24. Review status: criteria provided, single submitter. Criteria: LabCorp Variant Classification Summary - May 2015. Collection method: clinical testing. Allele origin: germline.
Comment: Variant summary: CLCN1 c.730G>T (p.Ala244Ser) results in a conservative amino acid change in the encoded protein sequence. Three of five in-silico tools predict a damaging effect of the variant on protein function. The variant allele was found at a frequency of 4e-06 in 251420 control chromosomes (gnomAD). The available data on variant occurrences in the general population are insufficient to allow any conclusion about variant significance. c.730G>T has been reported in the literature in a heterozygous individual affected with Myotonia congenita (Brugnoni_2013). This report does not provide unequivocal conclusions about association of the variant with Myotonia congenita. To our knowledge, no experimental evidence demonstrating an impact on protein function has been reported. The following publication have been ascertained in the context of this evaluation (PMID: 23739125). No submitters have cited clinical-significance assessments for this variant to ClinVar. Based on the evidence outlined above, the variant was classified as uncertain significance.

Literature cited by the submitters: PubMed 23739125.